The following is an entry in ClinVar:

NM_000742.4(CHRNA2):c.107C>T (p.Ala36Val)

Gene: CHRNA2 (cholinergic receptor nicotinic alpha 2 subunit; minus strand). Cytogenetic location: 8p21.2.
Variant type: single nucleotide variant.
Coding change: c.107C>T on transcript NM_000742.4 (MANE Select); coding-DNA position 107, C replaced by T.
Protein change: p.Ala36Val; replaces alanine 36 with valine.
Molecular consequence: missense variant. On other transcripts: 5 prime UTR variant (4).
Genome position (GRCh38, 1-based): chr8:27,469,948, G>A on the plus strand (C>T on the coding strand, the complement: CHRNA2 is on the minus strand). VCF-style: chr8-27469948-G-A. GRCh37 (hg19) VCF-style: chr8-27327465-G-A.
Other names: p.Ala36Val; c.107C>T, p.Ala36Val (NM_001282455.2); c.-321C>T (NM_001347705.2); c.-366C>T (NM_001347706.2); c.-307C>T (NM_001347707.2); c.-355C>T (NM_001347708.2); short protein forms A36V.
Identifiers: ClinVar variation 476987 (VCV000476987.7), dbSNP rs1313467019, ClinGen allele CA370813480.

ClinVar aggregate classification (germline): Uncertain significance. Review status: criteria provided, multiple submitters, no conflicts (2 of 4 stars). 3 submissions from 3 submitters: Uncertain significance (3). Last evaluated 2025-08-15.

Conditions:
Familial sleep-related hypermotor epilepsy. Also called: Autosomal Dominant Sleep-Related Hypermotor (Hyperkinetic) Epilepsy. Identifiers: Orphanet 98784, MedGen C3696898, MONDO:0000030.

Allele frequency attached by ClinVar (database versions not stated): gnomAD exomes below 0.00001 and 0.00001; TOPMed 0.00001.
gnomAD v4.1: 7 of 1,614,048 alleles (0.00043%); highest among the groups gnomAD compares: Admixed American, 0.0067%; no homozygotes.

Submissions (3):

Labcorp Genetics (formerly Invitae), Labcorp
Classification: Uncertain significance. Last evaluated: 2025-08-15. Review status: criteria provided, single submitter. Criteria: Invitae Variant Classification Sherloc (09022015). Collection method: clinical testing. Allele origin: germline.
Comment: This sequence change replaces alanine, which is neutral and non-polar, with valine, which is neutral and non-polar, at codon 36 of the CHRNA2 protein (p.Ala36Val). This variant is present in population databases (no rsID available, gnomAD 0.006%). This variant has not been reported in the literature in individuals affected with CHRNA2-related conditions. ClinVar contains an entry for this variant (Variation ID: 476987). Invitae Evidence Modeling of protein sequence and biophysical properties (such as structural, functional, and spatial information, amino acid conservation, physicochemical variation, residue mobility, and thermodynamic stability) indicates that this missense variant is not expected to disrupt CHRNA2 protein function with a negative predictive value of 95%. In summary, the available evidence is currently insufficient to determine the role of this variant in disease. Therefore, it has been classified as a Variant of Uncertain Significance.

Mayo Clinic Laboratories, Mayo Clinic
Classification: Uncertain significance. Last evaluated: 2024-12-25. Review status: criteria provided, single submitter. Criteria: ACMG Guidelines, 2015. Collection method: clinical testing. Allele origin: germline. Observed: 1 variant allele.
Comment: BP4

GeneDx
Classification: Uncertain significance. Last evaluated: 2024-02-14. Review status: criteria provided, single submitter. Criteria: GeneDx Variant Classification Process June 2021. Collection method: clinical testing. Allele origin: germline. Affected: yes.
Comment: In silico analysis supports that this missense variant has a deleterious effect on protein structure/function; Has not been previously published as pathogenic or benign to our knowledge